The following is an entry in ClinVar:

ClinVar aggregate classification (germline): Uncertain significance (1 of 4 stars; one submission).

Conditions:
Severe combined immunodeficiency, autosomal recessive, T cell-negative, B cell-negative, NK cell-negative, due to adenosine deaminase deficiency. Also called: ADA-SCID; ADA deficiency; Adenosine deaminase deficient severe combined immunodeficiency; Severe combined immunodeficiency due to ADA deficiency; SCID DUE TO ADA DEFICIENCY; SCID DUE TO ADA DEFICIENCY, EARLY-ONSET. Identifiers: Orphanet 277, MedGen C0392607, MONDO:0007064, OMIM 102700.

Allele frequency attached by ClinVar (database versions not stated): gnomAD exomes below 0.00001 and 0.00001; ExAC 0.00001.
gnomAD v4.1: 3 of 1,614,128 alleles (0.00019%); highest among the groups gnomAD compares: South Asian, 0.0011%; no homozygotes.

Submission:

Labcorp Genetics (formerly Invitae), Labcorp
Classification: Uncertain significance for Severe combined immunodeficiency, autosomal recessive, T cell-negative, B cell-negative, NK cell-negative, due to adenosine deaminase deficiency. Last evaluated: 2025-04-10. Review status: criteria provided, single submitter. Criteria: Invitae Variant Classification Sherloc (09022015). Collection method: clinical testing. Allele origin: germline.
Comment: This sequence change replaces methionine, which is neutral and non-polar, with threonine, which is neutral and polar, at codon 315 of the ADA protein (p.Met315Thr). This variant is present in population databases (rs758501653, gnomAD 0.003%). This variant has not been reported in the literature in individuals affected with ADA-related conditions. ClinVar contains an entry for this variant (Variation ID: 1352394). Invitae Evidence Modeling of protein sequence and biophysical properties (such as structural, functional, and spatial information, amino acid conservation, physicochemical variation, residue mobility, and thermodynamic stability) has been performed for this missense variant. However, the output from this modeling did not meet the statistical confidence thresholds required to predict the impact of this variant on ADA protein function. In summary, the available evidence is currently insufficient to determine the role of this variant in disease. Therefore, it has been classified as a Variant of Uncertain Significance.

NM_000022.4(ADA):c.944T>C (p.Met315Thr)

Gene: ADA (adenosine deaminase; minus strand). Cytogenetic location: 20q13.12.
Variant type: single nucleotide variant.
Coding change: c.944T>C on transcript NM_000022.4 (MANE Select); coding-DNA position 944, T replaced by C.
Protein change: p.Met315Thr; replaces methionine 315 with threonine.
Molecular consequence: missense variant. On other transcripts: non-coding transcript variant (1).
Genome position (GRCh38, 1-based): chr20:44,621,049, A>G on the plus strand (T>C on the coding strand, the complement: ADA is on the minus strand). VCF-style: chr20-44621049-A-G. GRCh37 (hg19) VCF-style: chr20-43249690-A-G.
Other names: c.539T>C, p.Met180Thr (NM_001322050.2); c.872T>C, p.Met291Thr (NM_001322051.2); short protein forms M315T, M180T, M291T.
Identifiers: ClinVar variation 1352394 (VCV001352394.6), dbSNP rs758501653, ClinGen allele CA9871459.
Genomic context (GRCh38, chr20:44,621,049, plus strand): 5'-CAAGGCCAGTATGGCTCACACCCACTCACCAGCCTTTTAAACTCCTCTTCAGTAAAGCCC[A>G]TGTCCCGTTTGGTCATCTGGTAATCAGTGTCCAGGGTGGACTTGAAGATGAGCGGGTCAT-3'
Protein context (NP_000013.2, residues 305-325): DTDYQMTKRD[Met315Thr]GFTEEEFKRL